The following is an entry in ClinVar:

ClinVar aggregate classification (germline): Uncertain significance (1 of 4 stars; one submission).

Allele frequency attached by ClinVar (database versions not stated): gnomAD exomes below 0.00001; TOPMed 0.00001.
gnomAD v4.1: 1 of 1,614,196 alleles (0.000062%); highest among the groups gnomAD compares: Non-Finnish European, 0.000085%; no homozygotes.

Submission:

Labcorp Genetics (formerly Invitae), Labcorp
Classification: Uncertain significance. Last evaluated: 2024-01-04. Review status: criteria provided, single submitter. Criteria: Invitae Variant Classification Sherloc (09022015). Collection method: clinical testing. Allele origin: germline.
Comment: This sequence change replaces proline, which is neutral and non-polar, with leucine, which is neutral and non-polar, at codon 425 of the RIPK1 protein (p.Pro425Leu). This variant is not present in population databases (gnomAD no frequency). This variant has not been reported in the literature in individuals affected with RIPK1-related conditions. Algorithms developed to predict the effect of missense changes on protein structure and function output the following: SIFT: "Not Available"; PolyPhen-2: "Benign"; Align-GVGD: "Not Available". The leucine amino acid residue is found in multiple mammalian species, which suggests that this missense change does not adversely affect protein function. In summary, the available evidence is currently insufficient to determine the role of this variant in disease. Therefore, it has been classified as a Variant of Uncertain Significance.

NM_001354930.2(RIPK1):c.1274C>T (p.Pro425Leu)

Gene: RIPK1 (receptor interacting serine/threonine kinase 1; plus strand). Cytogenetic location: 6p25.2.
Variant type: single nucleotide variant.
Coding change: c.1274C>T on transcript NM_001354930.2 (MANE Select); coding-DNA position 1274, C replaced by T.
Protein change: p.Pro425Leu; replaces proline 425 with leucine.
Molecular consequence: missense variant.
Genome position (GRCh38, 1-based): chr6:3,105,749, C>T. VCF-style: chr6-3105749-C-T. GRCh37 (hg19) VCF-style: chr6-3105983-C-T.
Other names: c.785C>T, p.Pro262Leu (NM_001317061.3, NM_001354932.2, NM_001354933.2 and 1 more transcripts); c.1136C>T, p.Pro379Leu (NM_001354931.2); c.1274C>T, p.Pro425Leu (NM_003804.6); short protein forms P425L, P262L, P379L.
Identifiers: ClinVar variation 3006988 (VCV003006988.3), dbSNP rs1760816360, ClinGen allele CA362572330.